The following is an entry in ClinVar:

NM_016062.4(CIAO2B):c.354C>T (p.Asp118=)

Gene: CIAO2B (cytosolic iron-sulfur assembly component 2B; minus strand). Cytogenetic location: 16q22.1.
Variant type: single nucleotide variant.
Coding change: c.354C>T on transcript NM_016062.4 (MANE Select); coding-DNA position 354, C replaced by T.
Protein change: p.Asp118=; no amino-acid change (aspartic acid 118 retained).
Molecular consequence: synonymous variant. On other transcripts: non-coding transcript variant (2).
Genome position (GRCh38, 1-based): chr16:66,932,820, G>A on the plus strand (C>T on the coding strand, the complement: CIAO2B is on the minus strand). VCF-style: chr16-66932820-G-A. GRCh37 (hg19) VCF-style: chr16-66966723-G-A.
Identifiers: ClinVar variation 2646606 (VCV002646606.24), dbSNP rs374480753, ClinGen allele CA282279024.

ClinVar aggregate classification (germline): Likely benign (1 of 4 stars; one submission).

Allele frequency attached by ClinVar (database versions not stated): gnomAD exomes 0.00001; TOPMed 0.00003; gnomAD 0.00004; ESP Exome Variant Server 0.00008.

Submission:

CeGaT Center for Human Genetics Tuebingen
Classification: Likely benign. Last evaluated: 2022-07-01. Review status: criteria provided, single submitter. Criteria: CeGaT Center For Human Genetics Tuebingen Variant Classification Criteria Version 2. Collection method: clinical testing. Allele origin: germline. Affected: yes. Observed: 1 variant allele.
Comment: CIAO2B: BP4, BP7